The following is an entry in ClinVar:

NM_002826.5(QSOX1):c.381T>C (p.Phe127=)

Gene: QSOX1 (quiescin sulfhydryl oxidase 1; plus strand). Cytogenetic location: 1q25.2.
Variant type: single nucleotide variant.
Coding change: c.381T>C on transcript NM_002826.5 (MANE Select); coding-DNA position 381, T replaced by C.
Protein change: p.Phe127=; no amino-acid change (phenylalanine 127 retained).
Molecular consequence: synonymous variant.
Genome position (GRCh38, 1-based): chr1:180,175,335, T>C. VCF-style: chr1-180175335-T-C. GRCh37 (hg19) VCF-style: chr1-180144470-T-C.
Other names: c.381T>C, p.Phe127= (NM_001004128.3).
Identifiers: ClinVar variation 2639600 (VCV002639600.24), dbSNP rs538917832, ClinGen allele CA1271104.

ClinVar aggregate classification (germline): Likely benign (1 of 4 stars; one submission).

Allele frequency attached by ClinVar (database versions not stated): TOPMed 0.00009; gnomAD 0.00030; gnomAD exomes 0.00056; ExAC 0.00143; 1000 Genomes Project 30x 0.00203; 1000 Genomes Project 0.00220.
gnomAD v4.1: 847 of 1,613,306 alleles (0.053%); highest among the groups gnomAD compares: South Asian, 0.83%; 17 homozygotes.

Submission:

CeGaT Center for Human Genetics Tuebingen
Classification: Likely benign. Last evaluated: 2022-12-01. Review status: criteria provided, single submitter. Criteria: CeGaT Center For Human Genetics Tuebingen Variant Classification Criteria Version 2. Collection method: clinical testing. Allele origin: germline. Affected: yes. Observed: 1 variant allele.
Comment: QSOX1: BP4, BP7